The following is an entry in ClinVar:

NM_173500.4(TTBK2):c.3328C>T (p.Arg1110Cys)

Gene: TTBK2 (tau tubulin kinase 2; minus strand). Cytogenetic location: 15q15.2.
Variant type: single nucleotide variant.
Coding change: c.3328C>T on transcript NM_173500.4 (MANE Select); coding-DNA position 3328, C replaced by T.
Protein change: p.Arg1110Cys; replaces arginine 1110 with cysteine.
Molecular consequence: missense variant.
Genome position (GRCh38, 1-based): chr15:42,746,202, G>A on the plus strand (C>T on the coding strand, the complement: TTBK2 is on the minus strand). VCF-style: chr15-42746202-G-A. GRCh37 (hg19) VCF-style: chr15-43038400-G-A.
Other names: short protein forms R1110C.
Identifiers: ClinVar variation 1210013 (VCV001210013.7), dbSNP rs562644902, ClinGen allele CA7516597.

ClinVar aggregate classification (germline): Uncertain significance. Review status: criteria provided, single submitter (1 of 4 stars). 3 submissions from 3 submitters: Uncertain significance (1). 2 of the submissions do not count toward it. Last evaluated 2025-07-28.

Allele frequency attached by ClinVar (database versions not stated): 1000 Genomes Project 0.00020; gnomAD 0.00001; gnomAD exomes 0.00004; 1000 Genomes Project 30x 0.00031; ExAC 0.00005.
gnomAD v4.1: 63 of 1,614,056 alleles (0.0039%); highest among the groups gnomAD compares: South Asian, 0.06%; 1 homozygote.

Submissions (3):

Labcorp Genetics (formerly Invitae), Labcorp
Classification: Uncertain significance. Last evaluated: 2025-07-28. Review status: criteria provided, single submitter. Criteria: Invitae Variant Classification Sherloc (09022015). Collection method: clinical testing. Allele origin: germline.
Comment: This sequence change replaces arginine, which is basic and polar, with cysteine, which is neutral and slightly polar, at codon 1110 of the TTBK2 protein (p.Arg1110Cys). This variant is present in population databases (rs562644902, gnomAD 0.03%). This variant has not been reported in the literature in individuals affected with TTBK2-related conditions. ClinVar contains an entry for this variant (Variation ID: 1210013). An algorithm developed to predict the effect of missense changes on protein structure and function (PolyPhen-2) suggests that this variant is likely to be tolerated. In summary, the available evidence is currently insufficient to determine the role of this variant in disease. Therefore, it has been classified as a Variant of Uncertain Significance.

Clinical Genetics DNA and cytogenetics Diagnostics Lab, Erasmus MC, Erasmus Medical Center
Classification: Uncertain significance. Review status: no assertion criteria provided. Collection method: clinical testing. Allele origin: germline. Affected: yes. Study: VKGL Data-share Consensus. Not counted in ClinVar's aggregate classification.

Genome Diagnostics Laboratory, Amsterdam University Medical Center
Classification: Uncertain significance. Review status: no assertion criteria provided. Collection method: clinical testing. Allele origin: germline. Affected: yes. Study: VKGL Data-share Consensus. Not counted in ClinVar's aggregate classification.